The following is an entry in ClinVar:

ClinVar aggregate classification (germline): Uncertain significance (1 of 4 stars; one submission).

gnomAD v4.1: 6 of 1,613,826 alleles (0.00037%); highest among the groups gnomAD compares: Middle Eastern, 0.017%; no homozygotes.

Submission:

Labcorp Genetics (formerly Invitae), Labcorp
Classification: Uncertain significance. Last evaluated: 2025-01-29. Review status: criteria provided, single submitter. Criteria: Invitae Variant Classification Sherloc (09022015). Collection method: clinical testing. Allele origin: germline.
Comment: This sequence change falls in intron 25 of the PROM1 gene. It does not directly change the encoded amino acid sequence of the PROM1 protein. It affects a nucleotide within the consensus splice site. This variant is present in population databases (no rsID available, gnomAD no frequency). This variant has not been reported in the literature in individuals affected with PROM1-related conditions. Variants that disrupt the consensus splice site are a relatively common cause of aberrant splicing (PMID: 17576681, 9536098). Algorithms developed to predict the effect of sequence changes on RNA splicing suggest that this variant is not likely to affect RNA splicing. In summary, the available evidence is currently insufficient to determine the role of this variant in disease. Therefore, it has been classified as a Variant of Uncertain Significance.

Literature cited by the submitters: PubMed 17576681; PubMed 9536098.

NM_006017.3(PROM1):c.2582+3A>C

Gene: PROM1 (prominin 1; minus strand). Cytogenetic location: 4p15.32.
Variant type: single nucleotide variant.
Coding change: c.2582+3A>C on transcript NM_006017.3 (MANE Select); 3 bases into the intron after coding-DNA position 2582, A replaced by C.
Molecular consequence: intron variant.
Genome position (GRCh38, 1-based): chr4:15,979,392, T>G on the plus strand (A>C on the coding strand, the complement: PROM1 is on the minus strand). VCF-style: chr4-15979392-T-G. GRCh37 (hg19) VCF-style: chr4-15981015-T-G.
Other names: c.2555+3A>C (NM_001145848.2, NM_001145847.2, NM_001371406.1); c.2462+1030A>C (NM_001145852.2, NM_001371408.1, NM_001371407.1); c.2489+1030A>C (NM_001145850.2); c.2486+489A>C (NM_001145851.2); c.2513+489A>C (NM_001145849.2).
Identifiers: ClinVar variation 3687984 (VCV003687984.2).
Genomic context (GRCh38, chr4:15,979,392, plus strand): 5'-TGATCTATAGGAGATGAGACGGTTTATCATAGGGCGGGCATGCACTTCCAGACTTTGCTT[T>G]ACCTTGTCATAACAGGATTGTGAATACCATATACATGATCTTTATGATAACCATTATTAC-3'